The following is an entry in ClinVar:

ClinVar aggregate classification (germline): Likely benign (1 of 4 stars; one submission).

gnomAD v4.1: 7 of 1,613,208 alleles (0.00043%); highest among the groups gnomAD compares: Non-Finnish European, 0.00059%; no homozygotes.

Submission:

CeGaT Center for Human Genetics Tuebingen
Classification: Likely benign. Last evaluated: 2024-10-01. Review status: criteria provided, single submitter. Criteria: CeGaT Center For Human Genetics Tuebingen Variant Classification Criteria Version 2. Collection method: clinical testing. Allele origin: germline. Affected: yes. Observed: 1 variant allele.
Comment: GYS2: BP4, BP7

NM_021957.4(GYS2):c.1911C>T (p.Pro637=)

Gene: GYS2 (glycogen synthase 2; minus strand). Cytogenetic location: 12p12.1.
Variant type: single nucleotide variant.
Coding change: c.1911C>T on transcript NM_021957.4 (MANE Select); coding-DNA position 1911, C replaced by T.
Protein change: p.Pro637=; no amino-acid change (proline 637 retained).
Molecular consequence: synonymous variant.
Genome position (GRCh38, 1-based): chr12:21,537,155, G>A on the plus strand (C>T on the coding strand, the complement: GYS2 is on the minus strand). VCF-style: chr12-21537155-G-A. GRCh37 (hg19) VCF-style: chr12-21690089-G-A.
Identifiers: ClinVar variation 3387863 (VCV003387863.14).